The following is an entry in ClinVar:

NM_000069.3(CACNA1S):c.5248A>C (p.Met1750Leu)

Gene: CACNA1S (calcium voltage-gated channel subunit alpha1 S; minus strand). Cytogenetic location: 1q32.1.
Variant type: single nucleotide variant.
Coding change: c.5248A>C on transcript NM_000069.3 (MANE Select); coding-DNA position 5248, A replaced by C.
Protein change: p.Met1750Leu; replaces methionine 1750 with leucine.
Molecular consequence: missense variant.
Genome position (GRCh38, 1-based): chr1:201,040,353, T>G on the plus strand (A>C on the coding strand, the complement: CACNA1S is on the minus strand). VCF-style: chr1-201040353-T-G. GRCh37 (hg19) VCF-style: chr1-201009481-T-G.
Other names: short protein forms M1750L.
Identifiers: ClinVar variation 1507604 (VCV001507604.8), dbSNP rs771065920, ClinGen allele CA344131377.
Genomic context (GRCh38, chr1:201,040,353, plus strand): 5'-TGCTGTGGGGTGTCTCCTCATGAAGAGACCCTGGTGTGGAGCTCTTTCTGTCCTCAGGCA[T>G]GGAGGACTCCACCCTGGGGCACTGTTCCAAAGGTACAAAAGCAAAGACCCCGACAGGGGT-3'
Protein context (NP_000060.2, residues 1740-1760): PCQCPRVESS[Met1750Leu]PEDRKSSTPG

ClinVar aggregate classification (germline): Uncertain significance (1 of 4 stars; one submission).

Conditions:
Hypokalemic periodic paralysis, type 1. Also called: HypoPP; Hypokalemic Periodic Paralysis Type 1 (AD). Identifiers: Orphanet 681, MedGen C3714580, MONDO:0042979, OMIM 170400.
Malignant hyperthermia, susceptibility to, 5 (MHS5). Also called: CACNA1S-Related Malignant Hyperthermia Susceptibility. Identifiers: Orphanet 423, MedGen C1866077, MONDO:0011163, OMIM 601887.

Submission:

Labcorp Genetics (formerly Invitae), Labcorp
Classification: Uncertain significance for Hypokalemic periodic paralysis, type 1; Malignant hyperthermia, susceptibility to, 5. Last evaluated: 2023-09-18. Review status: criteria provided, single submitter. Criteria: Invitae Variant Classification Sherloc (09022015). Collection method: clinical testing. Allele origin: germline.
Comment: In summary, the available evidence is currently insufficient to determine the role of this variant in disease. Therefore, it has been classified as a Variant of Uncertain Significance. Advanced modeling of protein sequence and biophysical properties (such as structural, functional, and spatial information, amino acid conservation, physicochemical variation, residue mobility, and thermodynamic stability) performed at Invitae indicates that this missense variant is not expected to disrupt CACNA1S protein function. ClinVar contains an entry for this variant (Variation ID: 1507604). This variant has not been reported in the literature in individuals affected with CACNA1S-related conditions. This variant is not present in population databases (gnomAD no frequency). This sequence change replaces methionine, which is neutral and non-polar, with leucine, which is neutral and non-polar, at codon 1750 of the CACNA1S protein (p.Met1750Leu).